The following is an entry in ClinVar:

NM_001267550.2(TTN):c.50531T>C (p.Leu16844Pro)

Genes: TTN (titin; minus strand), TTN-AS1 (TTN antisense RNA 1; plus strand). Cytogenetic location: 2q31.2.
Variant type: single nucleotide variant.
Coding change: c.50531T>C on transcript NM_001267550.2 (MANE Select); coding-DNA position 50531, T replaced by C.
Protein change: p.Leu16844Pro; replaces leucine 16844 with proline.
Molecular consequence: missense variant.
Genome position (GRCh38, 1-based): chr2:178,611,778, A>G on the plus strand (T>C on the coding strand, the complement: TTN is on the minus strand). VCF-style: chr2-178611778-A-G. GRCh37 (hg19) VCF-style: chr2-179476505-A-G.
Other names: c.45608T>C, p.Leu15203Pro (NM_001256850.1); c.23336T>C, p.Leu7779Pro (NM_003319.4); c.42827T>C, p.Leu14276Pro (NM_133378.4); c.23711T>C, p.Leu7904Pro (NM_133432.3); c.23912T>C, p.Leu7971Pro (NM_133437.4); short protein forms L14276P, L16844P, L7779P, L7904P, L7971P, L15203P.
Identifiers: ClinVar variation 502376 (VCV000502376.11), dbSNP rs764983586, ClinGen allele CA1994361.

ClinVar aggregate classification (germline): Conflicting classifications of pathogenicity. Review status: criteria provided, conflicting classifications (1 of 4 stars). 5 submissions from 5 submitters: Uncertain significance (4); Likely benign (1). Last evaluated 2025-11-06.

Conditions:
Autosomal recessive limb-girdle muscular dystrophy type 2J (LGMDR10). Also called: MUSCULAR DYSTROPHY, LIMB-GIRDLE, AUTOSOMAL RECESSIVE 10; Limb-girdle muscular dystrophy, type 2J. Identifiers: Orphanet 140922, MedGen C1837342, MONDO:0012127, OMIM 608807.
Hypertrophic cardiomyopathy 9. Also called: Familial hypertrophic cardiomyopathy 9. Identifiers: MedGen C1861065, MONDO:0013412, OMIM 613765.
Tibial muscular dystrophy (TMD). Also called: Udd Distal Myopathy – Tibial Muscular Dystrophy; Tibial muscular dystrophy, tardive; UDD MYOPATHY. Identifiers: Orphanet 609, MedGen C1838244, MONDO:0010870, OMIM 600334.
Dilated cardiomyopathy 1G (CMD1G). Identifiers: Orphanet 154, MedGen C1858763, MONDO:0011400, OMIM 604145.
Early-onset myopathy with fatal cardiomyopathy (CMYO5). Also called: Salih Myopathy; CONGENITAL MYOPATHY 5 WITH CARDIOMYOPATHY. Identifiers: Orphanet 289377, MedGen C2673677, MONDO:0012714, OMIM 611705. Disease mechanism: loss of function.
Myopathy, myofibrillar, 9, with early respiratory failure (MFM9). Also called: MYOPATHY, PROXIMAL, WITH EARLY RESPIRATORY MUSCLE INVOLVEMENT; Myopathy, distal, with early respiratory failure, autosomal dominant; Hereditary myopathy with early respiratory failure; EDSTROM MYOPATHY. Identifiers: Orphanet 178464, Orphanet 34521, MedGen C1863599, MONDO:0011362, OMIM 603689.

Allele frequency attached by ClinVar (database versions not stated): ExAC 0.00001; gnomAD 0.00002; gnomAD exomes 0.00002 and 0.00003; TOPMed 0.00003.
gnomAD v4.1: 28 of 1,612,266 alleles (0.0017%); highest among the groups gnomAD compares: Non-Finnish European, 0.0022%; no homozygotes.

Submissions (5):

Women's Health and Genetics/Laboratory Corporation of America, LabCorp
Classification: Uncertain significance. Last evaluated: 2025-11-06. Review status: criteria provided, single submitter. Criteria: LabCorp Variant Classification Summary - May 2015. Collection method: clinical testing. Allele origin: germline.
Comment: Variant summary: TTN c.42827T>C (p.Leu14276Pro) results in a non-conservative amino acid change in the encoded protein sequence. Algorithms developed to predict the effect of missense changes on protein structure and function are either unavailable or do not agree on the potential impact of this missense change. The variant allele was found at a frequency of 2.8e-05 in 247490 control chromosomes. The available data on variant occurrences in the general population are insufficient to allow any conclusion about variant significance. To our knowledge, no occurrence of c.42827T>C in individuals affected with TTN-related conditions and no experimental evidence demonstrating its impact on protein function have been reported. ClinVar contains an entry for this variant (Variation ID: 502376). Based on the evidence outlined above, the variant was classified as uncertain significance.

Revvity Omics, Revvity
Classification: Uncertain significance. Last evaluated: 2025-05-27. Review status: criteria provided, single submitter. Criteria: ACMG Guidelines, 2015. Collection method: clinical testing. Allele origin: germline.

Molecular Diagnostic Laboratory for Inherited Cardiovascular Disease, Montreal Heart Institute
Classification: Likely benign. Last evaluated: 2025-04-09. Review status: criteria provided, single submitter. Criteria: ACMG Guidelines, 2015. Collection method: clinical testing. Allele origin: germline. Affected: no.

Fulgent Genetics
Classification: Uncertain significance for Tibial muscular dystrophy; Myopathy, myofibrillar, 9, with early respiratory failure; Dilated cardiomyopathy 1G; Autosomal recessive limb-girdle muscular dystrophy type 2J; Early-onset myopathy with fatal cardiomyopathy; Hypertrophic cardiomyopathy 9. Last evaluated: 2021-09-10. Review status: criteria provided, single submitter. Criteria: ACMG Guidelines, 2015. Collection method: clinical testing. Allele origin: unknown.

Eurofins Ntd Llc (ga)
Classification: Uncertain significance. Last evaluated: 2017-06-02. Review status: criteria provided, single submitter. Criteria: EGL Classification Definitions 2015. Collection method: clinical testing. Allele origin: germline. Observed: 1 variant allele, 1 heterozygote.